The following is an entry in ClinVar:

NM_004522.3(KIF5C):c.2680C>T (p.Arg894Cys)

Gene: KIF5C (kinesin family member 5C; plus strand). Cytogenetic location: 2q23.2.
Variant type: single nucleotide variant.
Coding change: c.2680C>T on transcript NM_004522.3 (MANE Select); coding-DNA position 2680, C replaced by T.
Protein change: p.Arg894Cys; replaces arginine 894 with cysteine.
Molecular consequence: missense variant. On other transcripts: non-coding transcript variant (1).
Genome position (GRCh38, 1-based): chr2:149,010,264, C>T. VCF-style: chr2-149010264-C-T. GRCh37 (hg19) VCF-style: chr2-149866778-C-T.
Other names: NR_111932.2:n.2052C>T; short protein forms R894C.
Identifiers: ClinVar variation 3024401 (VCV003024401.1), dbSNP rs1170867093, ClinGen allele CA348756717.
Genomic context (GRCh38, chr2:149,010,264, plus strand): 5'-GAGCGCGTCAAGGCTCTGGAGAGCGCGCTGAAGGAGGCCAAGGAGAACGCCATGCGGGAC[C>T]GTAAGCGCTACCAGCAGGAGGTGGATCGTATCAAGGAGGCCGTGCGGGCCAAGAACATGG-3'
Protein context (NP_004513.1, residues 884-904): KEAKENAMRD[Arg894Cys]KRYQQEVDRI

ClinVar aggregate classification (germline): Uncertain significance (1 of 4 stars; one submission).

Conditions:
Duane retraction syndrome. Also called: Duane Syndrome; Duane's syndrome; RETRACTION SYNDROME; Duane anomaly. Identifiers: Orphanet 233, MedGen C0013261, MONDO:0007473, HP:0009921.

Allele frequency attached by ClinVar (database versions not stated): gnomAD exomes below 0.00001.

Submission:

Broad Center for Mendelian Genomics, Broad Institute of MIT and Harvard
Classification: Uncertain significance for Duane retraction syndrome. Last evaluated: 2024-02-27. Review status: criteria provided, single submitter. Criteria: ACMG Guidelines, 2015. Collection method: curation. Allele origin: germline. Inheritance: Autosomal dominant inheritance.
Comment: While this gene has a strong gene-disease association with complex cortical dysplasia with other brain malformations, it is lacking sufficient evidence to establish a gene-disease relationship for DRS. We believe this is a possible novel gene candidate for DRS. An additional variant (p.Gly2031Ser) in COL7A1 was also detected in heterozygosity with this variant. While these genes are lacking sufficient evidence, we believe that both variants may be contributing to the phenotype. Given the limited information about this gene-disease relationship, the significance of the p.Arg894Cys variant is uncertain. If you have any additional information about functional evidence or other individuals with this phenotype that also have variants in KIF5C we encourage you to reach out to the Engle Lab.